The following is an entry in ClinVar:

ClinVar aggregate classification (germline): Uncertain significance (1 of 4 stars; one submission).

Conditions:
Isovaleryl-CoA dehydrogenase deficiency (IVA). Also called: ISOVALERIC ACID CoA DEHYDROGENASE DEFICIENCY; Isovaleric acidemia; IVD DEFICIENCY; Classic Isovaleric Acidemia. Identifiers: Orphanet 33, MedGen C0268575, MONDO:0009475, OMIM 243500.

Submission:

Juno Genomics, Hangzhou Juno Genomics, Inc
Classification: Uncertain significance for Isovaleryl-CoA dehydrogenase deficiency. Review status: criteria provided, single submitter. Criteria: ACMG Guidelines, 2015. Collection method: clinical testing. Allele origin: germline. Affected: yes.
Comment: Absent from controls (or at extremely low frequency if recessive) in Genome Aggregation Database, Exome Sequencing Project, 1000 Genomes Project, or Exome Aggregation Consortium.;Multiple lines of computational evidence support a deleterious effect on the gene or gene product (conservation, evolutionary, splicing impact, etc).;For recessive disorders, detected in trans with a pathogenic variant.;Patient's phenotype or family history is highly specific for a disease with a single genetic etiology.

NM_002225.5(IVD):c.1006T>C (p.Cys336Arg)

Gene: IVD (isovaleryl-CoA dehydrogenase; plus strand). Cytogenetic location: 15q15.1.
Variant type: single nucleotide variant.
Coding change: c.1006T>C on transcript NM_002225.5 (MANE Select); coding-DNA position 1006, T replaced by C.
Protein change: p.Cys336Arg; replaces cysteine 336 with arginine.
Molecular consequence: missense variant. On other transcripts: non-coding transcript variant (1).
Genome position (GRCh38, 1-based): chr15:40,416,123, T>C. VCF-style: chr15-40416123-T-C. GRCh37 (hg19) VCF-style: chr15-40708322-T-C.
Other names: c.916T>C, p.Cys306Arg (NM_001159508.3); c.958T>C, p.Cys320Arg (NM_001354597.3); c.1006T>C, p.Cys336Arg (NM_001354598.3, NM_001354601.3); c.1093T>C, p.Cys365Arg (NM_001354599.3, NM_001354600.3); short protein forms C306R, C320R, C336R, C365R.
Identifiers: ClinVar variation 3381940 (VCV003381940.2).